The following is an entry in ClinVar:

ClinVar aggregate classification (germline): Uncertain significance (1 of 4 stars; one submission).

Allele frequency attached by ClinVar (database versions not stated): gnomAD exomes below 0.00001.
gnomAD v4.1: 3 of 1,613,992 alleles (0.00019%); highest among the groups gnomAD compares: Non-Finnish European, 0.00025%; no homozygotes.

Submission:

Labcorp Genetics (formerly Invitae), Labcorp
Classification: Uncertain significance. Last evaluated: 2023-01-05. Review status: criteria provided, single submitter. Criteria: Invitae Variant Classification Sherloc (09022015). Collection method: clinical testing. Allele origin: germline.
Comment: In summary, the available evidence is currently insufficient to determine the role of this variant in disease. Therefore, it has been classified as a Variant of Uncertain Significance. Algorithms developed to predict the effect of missense changes on protein structure and function are either unavailable or do not agree on the potential impact of this missense change (SIFT: "Tolerated"; PolyPhen-2: "Probably Damaging"; Align-GVGD: "Class C0"). This variant has not been reported in the literature in individuals affected with POMP-related conditions. This variant is not present in population databases (gnomAD no frequency). This sequence change replaces glutamic acid, which is acidic and polar, with lysine, which is basic and polar, at codon 125 of the POMP protein (p.Glu125Lys).

NM_015932.6(POMP):c.373G>A (p.Glu125Lys)

Gene: POMP (proteasome maturation protein; plus strand). Cytogenetic location: 13q12.3.
Variant type: single nucleotide variant.
Coding change: c.373G>A on transcript NM_015932.6 (MANE Select); coding-DNA position 373, G replaced by A.
Protein change: p.Glu125Lys; replaces glutamic acid 125 with lysine.
Molecular consequence: missense variant.
Genome position (GRCh38, 1-based): chr13:28,678,049, G>A. VCF-style: chr13-28678049-G-A. GRCh37 (hg19) VCF-style: chr13-29252186-G-A.
Other names: short protein forms E125K.
Identifiers: ClinVar variation 2093350 (VCV002093350.4), dbSNP rs1047086275, ClinGen allele CA247679388.